The following is an entry in ClinVar:

NM_006947.4(SRP72):c.1912A>G (p.Thr638Ala)

Gene: SRP72 (signal recognition particle 72; plus strand). Cytogenetic location: 4q12.
Variant type: single nucleotide variant.
Coding change: c.1912A>G on transcript NM_006947.4 (MANE Select); coding-DNA position 1912, A replaced by G.
Protein change: p.Thr638Ala; replaces threonine 638 with alanine.
Molecular consequence: missense variant. On other transcripts: non-coding transcript variant (1).
Genome position (GRCh38, 1-based): chr4:56,501,757, A>G. VCF-style: chr4-56501757-A-G. GRCh37 (hg19) VCF-style: chr4-57367923-A-G.
Other names: c.1729A>G, p.Thr577Ala (NM_001267722.2); short protein forms T577A, T638A.
Identifiers: ClinVar variation 4174947 (VCV004174947.1).

ClinVar aggregate classification (germline): Uncertain significance (1 of 4 stars; one submission).

gnomAD v4.1: 13 of 1,614,140 alleles (0.00081%); highest among the groups gnomAD compares: South Asian, 0.012%; no homozygotes.

Submission:

Ambry Genetics
Classification: Uncertain significance. Last evaluated: 2025-07-25. Review status: criteria provided, single submitter. Criteria: Ambry Variant Classification Scheme 2023. Collection method: clinical testing. Allele origin: germline.
Comment: The p.T638A variant (also known as c.1912A>G), located in coding exon 19 of the SRP72 gene, results from an A to G substitution at nucleotide position 1912. The threonine at codon 638 is replaced by alanine, an amino acid with similar properties. This amino acid position is conserved. In addition, this alteration is predicted to be tolerated by in silico analysis. Based on the available evidence, the clinical significance of this variant remains unclear.